The following is an entry in ClinVar:

ClinVar aggregate classification (germline): Conflicting classifications of pathogenicity. Review status: criteria provided, conflicting classifications (1 of 4 stars). 6 submissions from 6 submitters: Uncertain significance (1); Likely benign (5). Last evaluated 2025-12-16.

Conditions:
Charcot-Marie-Tooth disease type 2. Also called: Charcot-Marie-Tooth type 2. Identifiers: Orphanet 64746, MedGen C0270914, MONDO:0018993.
Cardiomyopathy (CMYO). Also called: Cardiomyopathies. Identifiers: Orphanet 167848, MedGen C0878544, MONDO:0004994, HP:0001638. Inheritance: Various modes of inheritance.
Primary dilated cardiomyopathy (DCM). Also called: Dilated Cardiomyopathy. Identifiers: Orphanet 217604, MedGen C0007193, MeSH D002311, MONDO:0005021, HP:0001644. Inheritance: Various modes of inheritance.
Cardiovascular phenotype. Identifiers: MedGen CN230736.

Allele frequency attached by ClinVar (database versions not stated): gnomAD exomes 0.00001; ExAC 0.00002.
gnomAD v4.1: 13 of 1,613,718 alleles (0.00081%); highest among the groups gnomAD compares: East Asian, 0.0022%; no homozygotes.

Submissions (6):

Labcorp Genetics (formerly Invitae), Labcorp
Classification: Likely benign for Charcot-Marie-Tooth disease type 2. Last evaluated: 2025-12-16. Review status: criteria provided, single submitter. Criteria: Invitae Variant Classification Sherloc (09022015). Collection method: clinical testing. Allele origin: germline.

GeneDx
Classification: Uncertain significance. Last evaluated: 2025-06-28. Review status: criteria provided, single submitter. Criteria: GeneDx Variant Classification Process June 2021. Collection method: clinical testing. Allele origin: germline. Affected: yes.
Comment: Not observed at significant frequency in large population cohorts (gnomAD); In silico analysis suggests that this variant does not alter splicing; Has not been previously published as pathogenic or benign to our knowledge

All of Us Research Program, National Institutes of Health
Classification: Likely benign for Primary dilated cardiomyopathy. Last evaluated: 2023-04-03. Review status: criteria provided, single submitter. Criteria: ACMG Guidelines, 2015. Collection method: clinical testing. Allele origin: germline. Inheritance: Autosomal dominant inheritance. Observed: 1 variant allele, 1 heterozygote.
Comment: This study involves interpretation of variants in research participants for the purpose of population health screening. Participant phenotype was not available at the time of variant classification. Additional details can be found in publication PMID: 35346344, PMCID: PMC8962531

Color Diagnostics, LLC DBA Color Health
Classification: Likely benign for Cardiomyopathy. Last evaluated: 2022-11-06. Review status: criteria provided, single submitter. Criteria: ACMG Guidelines, 2015. Collection method: clinical testing. Allele origin: germline.

Blueprint Genetics
Classification: Likely benign. Last evaluated: 2022-09-26. Review status: criteria provided, single submitter. Criteria: ACMG Guidelines, 2015. Collection method: clinical testing. Allele origin: germline.

Ambry Genetics
Classification: Likely benign for Cardiovascular phenotype. Last evaluated: 2019-07-11. Review status: criteria provided, single submitter. Criteria: Ambry Variant Classification Scheme 2023. Collection method: clinical testing. Allele origin: germline.

NM_170707.4(LMNA):c.1890G>A (p.Gly630=)

Gene: LMNA (lamin A/C; plus strand). Cytogenetic location: 1q22.
Variant type: single nucleotide variant.
Coding change: c.1890G>A on transcript NM_170707.4 (MANE Select); coding-DNA position 1890, G replaced by A.
Protein change: p.Gly630=; no amino-acid change (glycine 630 retained).
Molecular consequence: synonymous variant. On other transcripts: intron variant (1).
Genome position (GRCh38, 1-based): chr1:156,138,679, G>A. VCF-style: chr1-156138679-G-A. GRCh37 (hg19) VCF-style: chr1-156108470-G-A.
Other names: c.1554G>A, p.Gly518= (NM_001257374.3); c.1800G>A, p.Gly600= (NM_170708.4); c.1818+72G>A (NM_001282626.2).
Identifiers: ClinVar variation 543251 (VCV000543251.14), dbSNP rs770389147, ClinGen allele CA051614.